The following is an entry in ClinVar:

NM_005045.4(RELN):c.1588G>A (p.Glu530Lys)

Gene: RELN (reelin; minus strand). Cytogenetic location: 7q22.1.
Variant type: single nucleotide variant.
Coding change: c.1588G>A on transcript NM_005045.4 (MANE Select); coding-DNA position 1588, G replaced by A.
Protein change: p.Glu530Lys; replaces glutamic acid 530 with lysine.
Molecular consequence: missense variant.
Genome position (GRCh38, 1-based): chr7:103,652,726, C>T on the plus strand (G>A on the coding strand, the complement: RELN is on the minus strand). VCF-style: chr7-103652726-C-T. GRCh37 (hg19) VCF-style: chr7-103293173-C-T.
Other names: c.1588G>A (NM_005045.3); c.1588G>A, p.Glu530Lys (NM_173054.3); short protein forms E530K.
Identifiers: ClinVar variation 281878 (VCV000281878.13), dbSNP rs745368912, ClinGen allele CA4422217.

ClinVar aggregate classification (germline): Uncertain significance. Review status: criteria provided, multiple submitters, no conflicts (2 of 4 stars). 3 submissions from 3 submitters: Uncertain significance (3). Last evaluated 2024-04-05.

Conditions:
Familial temporal lobe epilepsy 7. Identifiers: Orphanet 101046, MedGen C4225327, MONDO:0014639, OMIM 616436.
Norman-Roberts syndrome (LIS2). Also called: Lissencephaly 2 (Norman-Roberts type). Identifiers: Orphanet 89844, MedGen C0796089, MONDO:0009760, OMIM 257320.
Inborn genetic diseases. Identifiers: MedGen C0950123, MeSH D030342.

Allele frequency attached by ClinVar (database versions not stated): gnomAD 0.00001; TOPMed 0.00001; gnomAD exomes 0.00002 and 0.00009; ExAC 0.00003.

Submissions (3):

Labcorp Genetics (formerly Invitae), Labcorp
Classification: Uncertain significance for Familial temporal lobe epilepsy 7; Norman-Roberts syndrome. Last evaluated: 2024-04-05. Review status: criteria provided, single submitter. Criteria: Invitae Variant Classification Sherloc (09022015). Collection method: clinical testing. Allele origin: germline.
Comment: This sequence change replaces glutamic acid, which is acidic and polar, with lysine, which is basic and polar, at codon 530 of the RELN protein (p.Glu530Lys). This variant is present in population databases (rs745368912, gnomAD 0.004%). This variant has not been reported in the literature in individuals affected with RELN-related conditions. ClinVar contains an entry for this variant (Variation ID: 281878). Advanced modeling of protein sequence and biophysical properties (such as structural, functional, and spatial information, amino acid conservation, physicochemical variation, residue mobility, and thermodynamic stability) performed at Invitae indicates that this missense variant is not expected to disrupt RELN protein function with a negative predictive value of 80%. In summary, the available evidence is currently insufficient to determine the role of this variant in disease. Therefore, it has been classified as a Variant of Uncertain Significance.

Ambry Genetics
Classification: Uncertain significance for Inborn genetic diseases. Last evaluated: 2021-07-06. Review status: criteria provided, single submitter. Criteria: Ambry Variant Classification Scheme 2023. Collection method: clinical testing. Allele origin: germline.

Eurofins Ntd Llc (ga)
Classification: Uncertain significance. Last evaluated: 2015-07-22. Review status: criteria provided, single submitter. Criteria: EGL Classification Definitions 2015. Collection method: clinical testing. Allele origin: germline. Observed: 1 variant allele, 1 heterozygote.